The following is an entry in ClinVar:

ClinVar aggregate classification (germline): Uncertain significance. Review status: criteria provided, multiple submitters, no conflicts (2 of 4 stars). 2 submissions from 2 submitters: Uncertain significance (2). Last evaluated 2026-02-09.

Conditions:
Cardiovascular phenotype. Identifiers: MedGen CN230736.

Submissions (2):

GeneDx
Classification: Uncertain significance. Last evaluated: 2026-02-09. Review status: criteria provided, single submitter. Criteria: GeneDx Variant Classification Process June 2021. Collection method: clinical testing. Allele origin: germline.
Comment: Not observed at significant frequency in large population cohorts (gnomAD); In silico analysis supports that this missense variant has a deleterious effect on protein structure/function; Has not been previously published as pathogenic or benign to our knowledge

Ambry Genetics
Classification: Uncertain significance for Cardiovascular phenotype. Last evaluated: 2021-11-04. Review status: criteria provided, single submitter. Criteria: Ambry Variant Classification Scheme 2023. Collection method: clinical testing. Allele origin: germline.
Comment: The p.Q38K variant (also known as c.112C>A), located in coding exon 3 of the MYL2 gene, results from a C to A substitution at nucleotide position 112. The glutamine at codon 38 is replaced by lysine, an amino acid with similar properties. This amino acid position is highly conserved in available vertebrate species. In addition, the in silico prediction for this alteration is inconclusive. Since supporting evidence is limited at this time, the clinical significance of this alteration remains unclear.

NM_000432.4(MYL2):c.112C>A (p.Gln38Lys)

Gene: MYL2 (myosin light chain 2; minus strand). Cytogenetic location: 12q24.11.
Variant type: single nucleotide variant.
Coding change: c.112C>A on transcript NM_000432.4 (MANE Select); coding-DNA position 112, C replaced by A.
Protein change: p.Gln38Lys; replaces glutamine 38 with lysine.
Molecular consequence: missense variant.
Genome position (GRCh38, 1-based): chr12:110,915,772, G>T on the plus strand (C>A on the coding strand, the complement: MYL2 is on the minus strand). VCF-style: chr12-110915772-G-T. GRCh37 (hg19) VCF-style: chr12-111353576-G-T.
Other names: c.55C>A, p.Gln19Lys (NM_001406916.1); short protein forms Q38K, Q19K.
Identifiers: ClinVar variation 1727858 (VCV001727858.3), dbSNP rs2499811840, ClinGen allele CA386699501.